The following is an entry in ClinVar:

ClinVar aggregate classification (germline): Likely benign (1 of 4 stars; one submission).

Allele frequency attached by ClinVar (database versions not stated): gnomAD exomes 0.00012; ExAC 0.00029; gnomAD 0.00125; 1000 Genomes Project 0.00140; TOPMed 0.00143; 1000 Genomes Project 30x 0.00172.
gnomAD v4.1: 363 of 1,545,524 alleles (0.023%); highest among the groups gnomAD compares: African/African-American, 0.41%; no homozygotes.

Submission:

CeGaT Center for Human Genetics Tuebingen
Classification: Likely benign. Last evaluated: 2022-09-01. Review status: criteria provided, single submitter. Criteria: CeGaT Center For Human Genetics Tuebingen Variant Classification Criteria Version 2. Collection method: clinical testing. Allele origin: germline. Affected: yes. Observed: 1 variant allele.
Comment: CFAP46: BP4, BP7

NM_001200049.3(CFAP46):c.1719C>T (p.Asn573=)

Gene: CFAP46 (cilia and flagella associated protein 46; minus strand). Cytogenetic location: 10q26.3.
Variant type: single nucleotide variant.
Coding change: c.1719C>T on transcript NM_001200049.3 (MANE Select); coding-DNA position 1719, C replaced by T.
Protein change: p.Asn573=; no amino-acid change (asparagine 573 retained).
Molecular consequence: synonymous variant.
Genome position (GRCh38, 1-based): chr10:132,920,070, G>A on the plus strand (C>T on the coding strand, the complement: CFAP46 is on the minus strand). VCF-style: chr10-132920070-G-A. GRCh37 (hg19) VCF-style: chr10-134733574-G-A.
Identifiers: ClinVar variation 2640994 (VCV002640994.24), dbSNP rs548004008, ClinGen allele CA5757936.